The following is an entry in ClinVar:

ClinVar aggregate classification (germline): Uncertain significance (1 of 4 stars; one submission).

Conditions:
Inborn genetic diseases. Identifiers: MedGen C0950123, MeSH D030342.

Submission:

Ambry Genetics
Classification: Uncertain significance for Inborn genetic diseases. Last evaluated: 2025-10-18. Review status: criteria provided, single submitter. Criteria: Ambry Variant Classification Scheme 2023. Collection method: clinical testing. Allele origin: germline.
Comment: The c.2000A>G (p.N667S) alteration is located in exon 16 (coding exon 16) of the AFG3L2 gene. This alteration results from a A to G substitution at nucleotide position 2000, causing the asparagine (N) at amino acid position 667 to be replaced by a serine (S). Based on data from gnomAD, the G allele has an overall frequency of <0.001% (1/251470) total alleles studied. The highest observed frequency was 0.001% (1/113758) of European (non-Finnish) alleles. Based on insufficient or conflicting evidence, the clinical significance of this alteration remains unclear.

NM_006796.3(AFG3L2):c.2000A>G (p.Asn667Ser)

Gene: AFG3L2 (AFG3 like matrix AAA peptidase subunit 2; minus strand). Cytogenetic location: 18p11.21.
Variant type: single nucleotide variant.
Coding change: c.2000A>G on transcript NM_006796.3 (MANE Select); coding-DNA position 2000, A replaced by G.
Protein change: p.Asn667Ser; replaces asparagine 667 with serine.
Molecular consequence: missense variant.
Genome position (GRCh38, 1-based): chr18:12,337,516, T>C on the plus strand (A>G on the coding strand, the complement: AFG3L2 is on the minus strand). VCF-style: chr18-12337516-T-C. GRCh37 (hg19) VCF-style: chr18-12337515-T-C.
Other names: short protein forms N667S.
Identifiers: ClinVar variation 4571823 (VCV004571823.1).